The following is an entry in ClinVar:

ClinVar aggregate classification (germline): Likely pathogenic (1 of 4 stars; one submission).

Conditions:
Intellectual disability-facial dysmorphism syndrome due to SETD5 haploinsufficiency (MRD23). Also called: Intellectual developmental disorder, autosomal dominant 23. Identifiers: Orphanet 404440, MedGen C3810406, MONDO:0014336, OMIM 615761.

Submission:

Genetics Institute, Tel Aviv Sourasky Medical Center
Classification: Likely pathogenic for Intellectual disability-facial dysmorphism syndrome due to SETD5 haploinsufficiency. Last evaluated: 2026-07-01. Review status: criteria provided, single submitter. Criteria: ACMG Guidelines, 2015. Collection method: research. Allele origin: germline. Affected: yes.
Comment: The variant affects a highly conserved amino acid (GERP 5.49) in the protein's functional domain (SET domain). The variant was not observed in public databases (gnomAD MAF = 0), and it is predicted deleterious (REVEL 0.93, AlphaMissense 0.998). The variant was classified as likely pathogenic according to ACMG criteria (PM1, PP3_strong, PM2_supporting).

NM_001080517.3(SETD5):c.1058C>T (p.Ser353Leu)

Gene: SETD5 (SET domain containing 5; plus strand). Cytogenetic location: 3p25.3.
Variant type: single nucleotide variant.
Coding change: c.1058C>T on transcript NM_001080517.3 (MANE Select); coding-DNA position 1058, C replaced by T.
Protein change: p.Ser353Leu; replaces serine 353 with leucine.
Molecular consequence: missense variant.
Genome position (GRCh38, 1-based): chr3:9,442,226, C>T. VCF-style: chr3-9442226-C-T. GRCh37 (hg19) VCF-style: chr3-9483910-C-T.
Other names: c.764C>T, p.Ser255Leu (NM_001292043.2, NM_001349451.2); c.1154C>T, p.Ser385Leu (NM_001437633.1); c.1115C>T, p.Ser372Leu (NM_001437635.1); c.1058C>T, p.Ser353Leu (NM_001437643.1); c.1097C>T, p.Ser366Leu (NM_001437701.1); short protein forms S255L, S353L, S366L, S372L, S385L.
Identifiers: ClinVar variation 4884439 (VCV004884439.1).
Genomic context (GRCh38, chr3:9,442,226, plus strand): 5'-GTGTAGAGATGTGTGTGGATGCCCGTACTTTCGGTAATGATGCTCGGTTCATCAGAAGAT[C>T]ATGTACACCAAATGCAGAGGTAAGATATCTGTAGCAACTTCCCTTTGACTGGAACCATCA-3'
Protein context (NP_001073986.1, residues 343-363): FGNDARFIRR[Ser353Leu]CTPNAEVRHM